The following is an entry in ClinVar:

NM_001903.5(CTNNA1):c.815G>A (p.Gly272Asp)

Gene: CTNNA1 (catenin alpha 1; plus strand). Cytogenetic location: 5q31.2.
Variant type: single nucleotide variant.
Coding change: c.815G>A on transcript NM_001903.5 (MANE Select); coding-DNA position 815, G replaced by A.
Protein change: p.Gly272Asp; replaces glycine 272 with aspartic acid.
Molecular consequence: missense variant.
Genome position (GRCh38, 1-based): chr5:138,824,756, G>A. VCF-style: chr5-138824756-G-A. GRCh37 (hg19) VCF-style: chr5-138160445-G-A.
Other names: c.815G>A, p.Gly272Asp (NM_001290307.3, NM_001323982.2, NM_001323983.1 and 3 more transcripts); c.506G>A, p.Gly169Asp (NM_001290309.3); c.446G>A, p.Gly149Asp (NM_001290310.3); short protein forms G149D, G169D, G272D.
Identifiers: ClinVar variation 1413042 (VCV001413042.11), dbSNP rs1196121090, ClinGen allele CA361130151.
Genomic context (GRCh38, chr5:138,824,756, plus strand): 5'-TCACAGGCATTTCCAATGCAGCCCAGGCCACTGCCTCAGACGATGCCTCACAGCACCAGG[G>A]TGGAGGAGGAGGAGAACTGGCATATGCACTCAATAACTTTGACGTAAGTTATGCTTGGGT-3'
Protein context (NP_001894.2, residues 262-282): TASDDASQHQ[Gly272Asp]GGGGELAYAL

ClinVar aggregate classification (germline): Uncertain significance. Review status: criteria provided, multiple submitters, no conflicts (2 of 4 stars). 2 submissions from 2 submitters: Uncertain significance (2). Last evaluated 2024-07-24.

Conditions:
Hereditary cancer-predisposing syndrome. Also called: Hereditary Cancer Syndrome; Tumor predisposition; Hereditary neoplastic syndrome; Neoplastic Syndromes, Hereditary. Identifiers: Orphanet 140162, MedGen C0027672, MeSH D009386, MONDO:0015356.

Allele frequency attached by ClinVar (database versions not stated): TOPMed below 0.00001; gnomAD 0.00001.
gnomAD v4.1: 1 of 1,614,090 alleles (0.000062%); highest among the groups gnomAD compares: African/African-American, 0.0013%; no homozygotes.

Submissions (2):

Ambry Genetics
Classification: Uncertain significance for Hereditary cancer-predisposing syndrome. Last evaluated: 2024-07-24. Review status: criteria provided, single submitter. Criteria: Ambry Variant Classification Scheme 2023. Collection method: clinical testing. Allele origin: germline.
Comment: The p.G272D variant (also known as c.815G>A), located in coding exon 5 of the CTNNA1 gene, results from a G to A substitution at nucleotide position 815. The glycine at codon 272 is replaced by aspartic acid, an amino acid with similar properties. This amino acid position is well conserved in available vertebrate species. In addition, this alteration is predicted to be tolerated by in silico analysis. The evidence for this gene-disease relationship is limited; therefore, the clinical significance of this alteration is unclear.

Labcorp Genetics (formerly Invitae), Labcorp
Classification: Uncertain significance. Last evaluated: 2024-02-24. Review status: criteria provided, single submitter. Criteria: Invitae Variant Classification Sherloc (09022015). Collection method: clinical testing. Allele origin: germline.
Comment: This sequence change replaces glycine, which is neutral and non-polar, with aspartic acid, which is acidic and polar, at codon 272 of the CTNNA1 protein (p.Gly272Asp). This variant is not present in population databases (gnomAD no frequency). This variant has not been reported in the literature in individuals affected with CTNNA1-related conditions. ClinVar contains an entry for this variant (Variation ID: 1413042). An algorithm developed to predict the effect of missense changes on protein structure and function (PolyPhen-2) suggests that this variant is likely to be tolerated. In summary, the available evidence is currently insufficient to determine the role of this variant in disease. Therefore, it has been classified as a Variant of Uncertain Significance.